The following is an entry in ClinVar:

NM_006393.3(NEBL):c.1987A>C (p.Lys663Gln)

Gene: NEBL (nebulette; minus strand). Cytogenetic location: 10p12.31.
Variant type: single nucleotide variant.
Coding change: c.1987A>C on transcript NM_006393.3 (MANE Select); coding-DNA position 1987, A replaced by C.
Protein change: p.Lys663Gln; replaces lysine 663 with glutamine.
Molecular consequence: missense variant. On other transcripts: intron variant (9).
Genome position (GRCh38, 1-based): chr10:20,819,492, T>G on the plus strand (A>C on the coding strand, the complement: NEBL is on the minus strand). VCF-style: chr10-20819492-T-G. GRCh37 (hg19) VCF-style: chr10-21108421-T-G.
Other names: c.250-6552A>C (NM_001377326.1, NM_001377327.1, NM_001377328.1); c.358-6552A>C (NM_213569.2, NM_001173484.2, NM_001377322.1); c.301-6552A>C (NM_001377324.1); c.292-6552A>C (NM_001377325.1); c.310-6552A>C (NM_001377323.1); c.1987A>C (NM_006393.2); short protein forms K663Q.
Identifiers: ClinVar variation 1407778 (VCV001407778.8), dbSNP rs751064460, ClinGen allele CA204172431.
Genomic context (GRCh38, chr10:20,819,492, plus strand): 5'-GCTGCTCCTGGTTTCGCCTCACTCTCTCTATCTCCGGGGTCATGCTTACCGGAGTGGCCT[T>G]GTAGTTTTGCTCTTTATACTGGAGCTGAGAGACAAGGTGCAAGACAGTTTGAGATTATGG-3'
Protein context (NP_006384.1, residues 653-673): SNLQYKEQNY[Lys663Gln]ATPVSMTPEI

ClinVar aggregate classification (germline): Uncertain significance. Review status: criteria provided, multiple submitters, no conflicts (2 of 4 stars). 2 submissions from 2 submitters: Uncertain significance (2). Last evaluated 2025-11-08.

Conditions:
Primary dilated cardiomyopathy (DCM). Also called: Dilated Cardiomyopathy. Identifiers: Orphanet 217604, MedGen C0007193, MeSH D002311, MONDO:0005021, HP:0001644. Inheritance: Various modes of inheritance.

Allele frequency attached by ClinVar (database versions not stated): TOPMed below 0.00001; gnomAD exomes 0.00003.

Submissions (2):

Labcorp Genetics (formerly Invitae), Labcorp
Classification: Uncertain significance for Primary dilated cardiomyopathy. Last evaluated: 2025-11-08. Review status: criteria provided, single submitter. Criteria: Invitae Variant Classification Sherloc (09022015). Collection method: clinical testing. Allele origin: germline.
Comment: This sequence change replaces lysine, which is basic and polar, with glutamine, which is neutral and polar, at codon 663 of the NEBL protein (p.Lys663Gln). This variant is not present in population databases (gnomAD no frequency). This variant has not been reported in the literature in individuals affected with NEBL-related conditions. ClinVar contains an entry for this variant (Variation ID: 1407778). An algorithm developed to predict the effect of missense changes on protein structure and function (PolyPhen-2) suggests that this variant is likely to be disruptive. In summary, the available evidence is currently insufficient to determine the role of this variant in disease. Therefore, it has been classified as a Variant of Uncertain Significance.

Ambry Genetics
Classification: Uncertain significance. Last evaluated: 2025-04-02. Review status: criteria provided, single submitter. Criteria: Ambry Variant Classification Scheme 2023. Collection method: clinical testing. Allele origin: germline.